The following is an entry in ClinVar:

NM_002240.5(KCNJ6):c.806A>G (p.Asp269Gly)

Genes: KCNJ6 (potassium inwardly rectifying channel subfamily J member 6; minus strand), KCNJ6-AS1 (KCNJ6 antisense RNA 1; plus strand). Cytogenetic location: 21q22.13.
Variant type: single nucleotide variant.
Coding change: c.806A>G on transcript NM_002240.5 (MANE Select); coding-DNA position 806, A replaced by G.
Protein change: p.Asp269Gly; replaces aspartic acid 269 with glycine.
Molecular consequence: missense variant. On other transcripts: non-coding transcript variant (1).
Genome position (GRCh38, 1-based): chr21:37,714,351, T>C on the plus strand (A>G on the coding strand, the complement: KCNJ6 is on the minus strand). VCF-style: chr21-37714351-T-C. GRCh37 (hg19) VCF-style: chr21-39086654-T-C.
Other names: short protein forms D269G.
Identifiers: ClinVar variation 5036969 (VCV005036969.1).

ClinVar aggregate classification (germline): Uncertain significance (1 of 4 stars; one submission).

Submission:

GeneDx
Classification: Uncertain significance. Last evaluated: 2026-04-09. Review status: criteria provided, single submitter. Criteria: GeneDx Variant Classification Process June 2021. Collection method: clinical testing. Allele origin: germline.
Comment: Not observed at significant frequency in large population cohorts (gnomAD); In silico analysis supports that this missense variant has a deleterious effect on protein structure/function; Has not been previously published as pathogenic or benign to our knowledge